The following is an entry in ClinVar:

ClinVar aggregate classification (germline): Benign. Review status: criteria provided, multiple submitters, no conflicts (2 of 4 stars). 2 submissions from 2 submitters: Benign (2). Last evaluated 2018-06-19.

Allele frequency attached by ClinVar (database versions not stated): 1000 Genomes Project 0.08806; 1000 Genomes Project 30x 0.09385; TOPMed 0.11744; gnomAD 0.12411.
gnomAD v4.1: 84,768 of 856,954 alleles (9.9%); highest among the groups gnomAD compares: African/African-American, 19%; 4,984 homozygotes.

Submissions (2):

GeneDx
Classification: Benign. Last evaluated: 2018-06-19. Review status: criteria provided, single submitter. Criteria: GeneDx Variant Classification (06012015). Collection method: clinical testing. Allele origin: germline. Affected: yes.
Comment: This variant is considered likely benign or benign based on one or more of the following criteria: it is a conservative change, it occurs at a poorly conserved position in the protein, it is predicted to be benign by multiple in silico algorithms, and/or has population frequency not consistent with disease.

Breakthrough Genomics
Classification: Benign. Review status: criteria provided, single submitter. Criteria: ACMG Guidelines, 2015. Collection method: not provided. Allele origin: germline. Inheritance: Autosomal dominant inheritance. Affected: yes.

NM_005159.5(ACTC1):c.130-127G>C

Genes: ACTC1 (actin alpha cardiac muscle 1; minus strand), GJD2-DT (GJD2 divergent transcript; plus strand). Cytogenetic location: 15q14.
Variant type: single nucleotide variant.
Coding change: c.130-127G>C on transcript NM_005159.5 (MANE Select); 127 bases into the intron before coding-DNA position 130, G replaced by C.
Molecular consequence: intron variant.
Genome position (GRCh38, 1-based): chr15:34,793,696, C>G on the plus strand (G>C on the coding strand, the complement: ACTC1 is on the minus strand). VCF-style: chr15-34793696-C-G. GRCh37 (hg19) VCF-style: chr15-35085897-C-G.
Identifiers: ClinVar variation 671980 (VCV000671980.2), dbSNP rs7165006, ClinGen allele CA268663728.